The following is an entry in ClinVar:

ClinVar aggregate classification (germline): Uncertain significance (1 of 4 stars; one submission).

Submission:

Labcorp Genetics (formerly Invitae), Labcorp
Classification: Uncertain significance. Last evaluated: 2024-12-23. Review status: criteria provided, single submitter. Criteria: Invitae Variant Classification Sherloc (09022015). Collection method: clinical testing. Allele origin: germline.
Comment: This sequence change replaces threonine, which is neutral and polar, with isoleucine, which is neutral and non-polar, at codon 385 of the GCM2 protein (p.Thr385Ile). This variant is not present in population databases (gnomAD no frequency). This variant has not been reported in the literature in individuals affected with GCM2-related conditions. Invitae Evidence Modeling of protein sequence and biophysical properties (such as structural, functional, and spatial information, amino acid conservation, physicochemical variation, residue mobility, and thermodynamic stability) indicates that this missense variant is expected to disrupt GCM2 protein function with a positive predictive value of 80%. In summary, the available evidence is currently insufficient to determine the role of this variant in disease. Therefore, it has been classified as a Variant of Uncertain Significance.

NM_004752.4(GCM2):c.1154C>T (p.Thr385Ile)

Gene: GCM2 (glial cells missing transcription factor 2; minus strand). Cytogenetic location: 6p24.2.
Variant type: single nucleotide variant.
Coding change: c.1154C>T on transcript NM_004752.4 (MANE Select); coding-DNA position 1154, C replaced by T.
Protein change: p.Thr385Ile; replaces threonine 385 with isoleucine.
Molecular consequence: missense variant.
Genome position (GRCh38, 1-based): chr6:10,874,362, G>A on the plus strand (C>T on the coding strand, the complement: GCM2 is on the minus strand). VCF-style: chr6-10874362-G-A. GRCh37 (hg19) VCF-style: chr6-10874595-G-A.
Other names: short protein forms T385I.
Identifiers: ClinVar variation 3667208 (VCV003667208.2).